The following is an entry in ClinVar:

NM_032888.4(COL27A1):c.4300dup (p.Arg1434fs)

Gene: COL27A1 (collagen type XXVII alpha 1 chain; plus strand). Cytogenetic location: 9q32.
Variant type: Duplication.
Coding change: c.4300dup on transcript NM_032888.4 (MANE Select); coding-DNA position 4300, one base duplicated (A; older notation c.4300dupA).
Protein change: p.Arg1434fs; shifts the reading frame from arginine 1434.
Molecular consequence: frameshift variant.
Genome position (GRCh38, 1-based): chr9:114,290,263, A duplicated. VCF-style (leftmost placement, unchanged base first): chr9-114290262-G-GA. GRCh37 (hg19) VCF-style: chr9-117052542-G-GA.
Other names: short protein forms R1434fs.
Identifiers: ClinVar variation 2711399 (VCV002711399.3), dbSNP rs2490280816, ClinGen allele CA2697558026.
Genomic context (GRCh38, chr9:114,290,262, plus strand): 5'-CAGCTTTTTATGTACCCCCCAGGGCCTGCAGGGGCTGCCAGGGCCCCGGGGCGTGGTGGG[G>GA]AGACAGGGCCTCGAGGGCATCGCTGGACCAGATGGGCTTCCTGGCAGGGACGGGCAAGCA-3'

ClinVar aggregate classification (germline): Pathogenic (1 of 4 stars; one submission).

Submission:

Labcorp Genetics (formerly Invitae), Labcorp
Classification: Pathogenic. Last evaluated: 2023-06-11. Review status: criteria provided, single submitter. Criteria: Invitae Variant Classification Sherloc (09022015). Collection method: clinical testing. Allele origin: germline.
Comment: This sequence change creates a premature translational stop signal (p.Arg1434Lysfs*61) in the COL27A1 gene. It is expected to result in an absent or disrupted protein product. Loss-of-function variants in COL27A1 are known to be pathogenic (PMID: 24986830, 28276056). This variant is not present in population databases (gnomAD no frequency). This variant has not been reported in the literature in individuals affected with COL27A1-related conditions. For these reasons, this variant has been classified as Pathogenic.

Literature cited by the submitters: PubMed 24986830; PubMed 28276056.